The following is an entry in ClinVar:

ClinVar aggregate classification (germline): Conflicting classifications of pathogenicity. Review status: criteria provided, conflicting classifications (1 of 4 stars). 4 submissions from 4 submitters: Uncertain significance (3); Likely benign (1). Last evaluated 2026-07-06.

Conditions:
Hereditary breast ovarian cancer syndrome. Also called: Hereditary breast and ovarian cancer; Hereditary breast and ovarian cancer syndrome (HBOC); Hereditary breast and/or ovarian cancer syndrome; Hereditary breast and ovarian cancer syndrome; Breast and ovarian cancer; BRCA1- and BRCA2-Associated Hereditary Breast and Ovarian Cancer. Identifiers: Orphanet 145, MedGen C0677776, MeSH D061325, MONDO:0003582. Disease mechanism: loss of function.
Hereditary cancer-predisposing syndrome. Also called: Tumor predisposition; Hereditary neoplastic syndrome; Neoplastic Syndromes, Hereditary; Hereditary Cancer Syndrome. Identifiers: Orphanet 140162, MedGen C0027672, MeSH D009386, MONDO:0015356.

Allele frequency attached by ClinVar (database versions not stated): gnomAD exomes below 0.00001.
gnomAD v4.1: 1 of 1,614,128 alleles (0.000062%); highest among the groups gnomAD compares: Admixed American, 0.0017%; no homozygotes.

Submissions (4):

Ambry Genetics
Classification: Uncertain significance for Hereditary cancer-predisposing syndrome. Last evaluated: 2026-07-06. Review status: criteria provided, single submitter. Criteria: Ambry Variant Classification Scheme 2023. Collection method: clinical testing. Allele origin: germline.
Comment: The p.S470G variant (also known as c.1408A>G), located in coding exon 9 of the BRCA1 gene, results from an A to G substitution at nucleotide position 1408. The serine at codon 470 is replaced by glycine, an amino acid with similar properties. This amino acid position is conserved. In addition, the in silico prediction for this alteration is inconclusive. Based on the available evidence, the clinical significance of this variant remains unclear.

GeneDx
Classification: Uncertain significance. Last evaluated: 2024-04-22. Review status: criteria provided, single submitter. Criteria: GeneDx Variant Classification Process June 2021. Collection method: clinical testing. Allele origin: germline. Affected: yes.
Comment: Not observed at significant frequency in large population cohorts (gnomAD); In silico analysis supports that this missense variant has a deleterious effect on protein structure/function; Has not been previously published as pathogenic or benign to our knowledge; Also known as 1527A>G; This variant is associated with the following publications: (PMID: 15343273)

University of Washington Department of Laboratory Medicine, University of Washington
Classification: Likely benign for Hereditary cancer-predisposing syndrome. Last evaluated: 2023-03-23. Review status: criteria provided, single submitter. Criteria: Dines et al. (Genet Med. 2020). Collection method: curation. Allele origin: germline.
Comment: Missense variant in a coldspot region where missense variants are very unlikely to be pathogenic (PMID:31911673).

BRCA1 coldspot (exon 11 using historical exon numbering). Reclassification based on statistical prior probability

Labcorp Genetics (formerly Invitae), Labcorp
Classification: Uncertain significance for Hereditary breast ovarian cancer syndrome. Last evaluated: 2019-03-06. Review status: criteria provided, single submitter. Criteria: Invitae Variant Classification Sherloc (09022015). Collection method: clinical testing. Allele origin: germline.
Comment: In summary, the available evidence is currently insufficient to determine the role of this variant in disease. Therefore, it has been classified as a Variant of Uncertain Significance. Algorithms developed to predict the effect of missense changes on protein structure and function output the following: SIFT: "Tolerated"; PolyPhen-2: "Benign"; Align-GVGD: "Class C0". The glycine amino acid residue is found in multiple mammalian species, suggesting that this missense change does not adversely affect protein function. These predictions have not been confirmed by published functional studies and their clinical significance is uncertain. This variant has not been reported in the literature in individuals with BRCA1-related conditions. This variant is not present in population databases (ExAC no frequency). This sequence change replaces serine with glycine at codon 470 of the BRCA1 protein (p.Ser470Gly). The serine residue is moderately conserved and there is a small physicochemical difference between serine and glycine.

NM_007294.4(BRCA1):c.1408A>G (p.Ser470Gly)

Gene: BRCA1 (BRCA1 DNA repair associated; minus strand). Cytogenetic location: 17q21.31.
Variant type: single nucleotide variant.
Coding change: c.1408A>G on transcript NM_007294.4 (MANE Select); coding-DNA position 1408, A replaced by G.
Protein change: p.Ser470Gly; replaces serine 470 with glycine.
Molecular consequence: missense variant. On other transcripts: intron variant (137).
Genome position (GRCh38, 1-based): chr17:43,094,123, T>C on the plus strand (A>G on the coding strand, the complement: BRCA1 is on the minus strand). VCF-style: chr17-43094123-T-C. GRCh37 (hg19) VCF-style: chr17-41246140-T-C.
Other names: c.1195A>G, p.Ser399Gly (NM_001407571.1, NM_001407853.1, NM_001407894.1 and 9 more transcripts); c.1408A>G, p.Ser470Gly (NM_001407581.1, NM_001407582.1, NM_001407583.1 and 30 more transcripts); c.1405A>G, p.Ser469Gly (NM_001407587.1, NM_001407590.1, NM_001407591.1 and 22 more transcripts); c.1399A>G, p.Ser467Gly (NM_001407646.1, NM_001407647.1); c.1285A>G, p.Ser429Gly (NM_001407648.1, NM_001407664.1, NM_001407665.1 and 19 more transcripts); c.1282A>G, p.Ser428Gly (NM_001407649.1, NM_001407670.1, NM_001407671.1 and 11 more transcripts); c.1330A>G, p.Ser444Gly (NM_001407653.1, NM_001407654.1, NM_001407655.1 and 4 more transcripts); c.1267A>G, p.Ser423Gly (NM_001407728.1, NM_001407729.1, NM_001407730.1 and 29 more transcripts); and 40 more; short protein forms S423G, S470G, S342G, S359G, S381G, S382G, S422G, S443G.
Identifiers: ClinVar variation 846197 (VCV000846197.15), dbSNP rs2053942184, ClinGen allele CA10599233.